The following is an entry in ClinVar:

ClinVar aggregate classification (germline): Uncertain significance (1 of 4 stars; one submission).

Submission:

Labcorp Genetics (formerly Invitae), Labcorp
Classification: Uncertain significance. Last evaluated: 2022-03-14. Review status: criteria provided, single submitter. Criteria: Invitae Variant Classification Sherloc (09022015). Collection method: clinical testing. Allele origin: germline.
Comment: Algorithms developed to predict the effect of sequence changes on RNA splicing suggest that this variant may disrupt the consensus splice site. In summary, the available evidence is currently insufficient to determine the role of this variant in disease. Therefore, it has been classified as a Variant of Uncertain Significance. This variant has not been reported in the literature in individuals affected with ATAD1-related conditions. This variant is not present in population databases (gnomAD no frequency). This sequence change affects a donor splice site in intron 4 of the ATAD1 gene. It is expected to disrupt RNA splicing. Variants that disrupt the donor or acceptor splice site typically lead to a loss of protein function (PMID: 16199547), however the current clinical and genetic evidence is not sufficient to establish whether loss-of-function variants in ATAD1 cause disease.

Literature cited by the submitters: PubMed 16199547.

NM_001321967.2(ATAD1):c.382+1G>C

Gene: ATAD1 (ATPase family AAA domain containing 1; minus strand). Cytogenetic location: 10q23.31.
Variant type: single nucleotide variant.
Coding change: c.382+1G>C on transcript NM_001321967.2 (MANE Select); the canonical splice donor site of the intron after coding-DNA position 382, G replaced by C.
Molecular consequence: splice donor variant.
Genome position (GRCh38, 1-based): chr10:87,790,309, C>G on the plus strand (G>C on the coding strand, the complement: ATAD1 is on the minus strand). VCF-style: chr10-87790309-C-G. GRCh37 (hg19) VCF-style: chr10-89550066-C-G.
Other names: c.382+1G>C (NM_001321968.2, NM_032810.4); c.-66+1G>C (NM_001321969.2).
Identifiers: ClinVar variation 1369532 (VCV001369532.8), dbSNP rs2131921192, ClinGen allele CA377491807.